The following is an entry in ClinVar:

NM_001378457.1(DMXL2):c.4390C>A (p.Pro1464Thr)

Gene: DMXL2 (Dmx like 2; minus strand). Cytogenetic location: 15q21.2.
Variant type: single nucleotide variant.
Coding change: c.4390C>A on transcript NM_001378457.1 (MANE Select); coding-DNA position 4390, C replaced by A.
Protein change: p.Pro1464Thr; replaces proline 1464 with threonine.
Molecular consequence: missense variant. On other transcripts: non-coding transcript variant (2), intron variant (2).
Genome position (GRCh38, 1-based): chr15:51,498,834, G>T on the plus strand (C>A on the coding strand, the complement: DMXL2 is on the minus strand). VCF-style: chr15-51498834-G-T. GRCh37 (hg19) VCF-style: chr15-51791031-G-T.
Other names: c.4390C>A, p.Pro1464Thr (NM_001174116.3, NM_001378458.1, NM_001378459.1 and 4 more transcripts); c.4150C>A, p.Pro1384Thr (NM_001378464.1); c.2765-7087C>A (NM_001378460.1); c.2765-3700C>A (NM_001174117.3); short protein forms P1384T, P1464T.
Identifiers: ClinVar variation 2002854 (VCV002002854.1), dbSNP rs753904885, ClinGen allele CA7562018.

ClinVar aggregate classification (germline): Uncertain significance (1 of 4 stars; one submission).

Allele frequency attached by ClinVar (database versions not stated): ExAC 0.00001.
gnomAD v4.1: 5 of 1,614,104 alleles (0.00031%); highest among the groups gnomAD compares: Middle Eastern, 0.049%; no homozygotes.

Submission:

Labcorp Genetics (formerly Invitae), Labcorp
Classification: Uncertain significance. Last evaluated: 2022-06-08. Review status: criteria provided, single submitter. Criteria: Invitae Variant Classification Sherloc (09022015). Collection method: clinical testing. Allele origin: germline.
Comment: This sequence change replaces proline, which is neutral and non-polar, with threonine, which is neutral and polar, at codon 1464 of the DMXL2 protein (p.Pro1464Thr). This variant is present in population databases (rs753904885, gnomAD 0.0009%). This variant has not been reported in the literature in individuals affected with DMXL2-related conditions. Algorithms developed to predict the effect of missense changes on protein structure and function (SIFT, PolyPhen-2, Align-GVGD) all suggest that this variant is likely to be tolerated. In summary, the available evidence is currently insufficient to determine the role of this variant in disease. Therefore, it has been classified as a Variant of Uncertain Significance.